The following is an entry in ClinVar:

NM_000052.7(ATP7A):c.2485A>T (p.Asn829Tyr)

Gene: ATP7A (ATPase copper transporting alpha; plus strand). Cytogenetic location: Xq21.1.
Variant type: single nucleotide variant.
Coding change: c.2485A>T on transcript NM_000052.7 (MANE Select); coding-DNA position 2485, A replaced by T.
Protein change: p.Asn829Tyr; replaces asparagine 829 with tyrosine.
Molecular consequence: missense variant.
Genome position (GRCh38, 1-based): chrX:78,014,740, A>T. VCF-style: chrX-78014740-A-T. GRCh37 (hg19) VCF-style: chrX-77270237-A-T.
Other names: c.2251A>T, p.Asn751Tyr (NM_001282224.2); short protein forms N829Y, N751Y.
Identifiers: ClinVar variation 432529 (VCV000432529.2), dbSNP rs1163453293, ClinGen allele CA413600102.

ClinVar aggregate classification (germline): Uncertain significance (1 of 4 stars; one submission).

Allele frequency attached by ClinVar (database versions not stated): gnomAD exomes below 0.00001; gnomAD 0.00001; TOPMed 0.00001.
gnomAD v4.1: 3 of 1,196,129 alleles (0.00025%); highest among the groups gnomAD compares: Non-Finnish European, 0.00034%; no homozygotes.

Submission:

GeneDx
Classification: Uncertain significance. Last evaluated: 2017-06-02. Review status: criteria provided, single submitter. Criteria: GeneDx Variant Classification (06012015). Collection method: clinical testing. Allele origin: germline. Affected: yes.
Comment: A variant of uncertain significance has been identified in the ATP7A gene. The N829Y variant has not been published as pathogenic or been reported as benign to our knowledge. This variant is not observed in large population cohorts (Lek et al., 2016; 1000 Genomes Consortium et al., 2015; Exome Variant Server). The N829Y variant is a semi-conservative amino acid substitution, which may impact secondary protein structure as these residues differ in some properties. This substitution occurs at a position that is conserved across species. In silico analysis predicts this variant is probably damaging to the protein structure/function. However, this variant lacks observation in a significant number of affected individuals, segregation data, and functional evidence, which would further clarify its pathogenicity.